The following is an entry in ClinVar:

NC_000006.11:g.(?_129723479)_(129725469_?)del

Gene: LAMA2 (laminin subunit alpha 2; plus strand). Cytogenetic location: 6q22.33.
Variant type: Deletion.
Identifiers: ClinVar variation 3246071 (VCV003246071.1).

ClinVar aggregate classification (germline): Likely pathogenic (1 of 4 stars; one submission).

Conditions:
LAMA2-related muscular dystrophy (LAMA2-RD). Also called: Laminin alpha 2-related dystrophy. Identifiers: MedGen C5679788, MONDO:0100228.

Submission:

Labcorp Genetics (formerly Invitae), Labcorp
Classification: Likely pathogenic for LAMA2-related muscular dystrophy. Last evaluated: 2023-05-31. Review status: criteria provided, single submitter. Criteria: Invitae Variant Classification Sherloc (09022015). Collection method: clinical testing. Allele origin: unknown.
Comment: In summary, the currently available evidence indicates that the variant is pathogenic, but additional data are needed to prove that conclusively. Therefore, this variant has been classified as Likely Pathogenic. This variant has not been reported in the literature in individuals affected with LAMA2-related conditions. This variant results in the deletion of exon 40 and part of exon 39 (c.5573_5865+365del) of the LAMA2 gene. It is expected to disrupt RNA splicing. Variants that disrupt the donor or acceptor splice site typically lead to a loss of protein function (PMID: 16199547), and loss-of-function variants in LAMA2 are known to be pathogenic (PMID: 18700894, 32904964).

Literature cited by the submitters: PubMed 16199547; PubMed 18700894; PubMed 32904964.